The following is an entry in ClinVar:

NM_177438.3(DICER1):c.2946T>A (p.Asn982Lys)

Gene: DICER1 (dicer 1, ribonuclease III; minus strand). Cytogenetic location: 14q32.13.
Variant type: single nucleotide variant.
Coding change: c.2946T>A on transcript NM_177438.3 (MANE Select); coding-DNA position 2946, T replaced by A.
Protein change: p.Asn982Lys; replaces asparagine 982 with lysine.
Molecular consequence: missense variant.
Genome position (GRCh38, 1-based): chr14:95,106,082, A>T on the plus strand (T>A on the coding strand, the complement: DICER1 is on the minus strand). VCF-style: chr14-95106082-A-T. GRCh37 (hg19) VCF-style: chr14-95572419-A-T.
Other names: c.2946T>A, p.Asn982Lys (NM_001195573.1, NM_001271282.3, NM_001291628.2 and 1 more transcripts); short protein forms N982K.
Identifiers: ClinVar variation 412126 (VCV000412126.13), dbSNP rs1060503631, ClinGen allele CA16614350.

ClinVar aggregate classification (germline): Conflicting classifications of pathogenicity. Review status: criteria provided, conflicting classifications (1 of 4 stars). 2 submissions from 2 submitters: Uncertain significance (1); Likely benign (1). Last evaluated 2025-04-14.

Conditions:
DICER1-related tumor predisposition. Also called: DICER1-related pleuropulmonary blastoma cancer predisposition syndrome; DICER1 syndrome. Identifiers: Orphanet 284343, MedGen C3839822, MONDO:0100216.
Hereditary cancer-predisposing syndrome. Also called: Hereditary neoplastic syndrome; Neoplastic Syndromes, Hereditary; Tumor predisposition; Hereditary Cancer Syndrome. Identifiers: Orphanet 140162, MedGen C0027672, MeSH D009386, MONDO:0015356.

Submissions (2):

Labcorp Genetics (formerly Invitae), Labcorp
Classification: Uncertain significance for DICER1-related tumor predisposition. Last evaluated: 2025-04-14. Review status: criteria provided, single submitter. Criteria: Invitae Variant Classification Sherloc (09022015). Collection method: clinical testing. Allele origin: germline.
Comment: This sequence change replaces asparagine, which is neutral and polar, with lysine, which is basic and polar, at codon 982 of the DICER1 protein (p.Asn982Lys). This variant is not present in population databases (gnomAD no frequency). This variant has not been reported in the literature in individuals affected with DICER1-related conditions. ClinVar contains an entry for this variant (Variation ID: 412126). Invitae Evidence Modeling of protein sequence and biophysical properties (such as structural, functional, and spatial information, amino acid conservation, physicochemical variation, residue mobility, and thermodynamic stability) indicates that this missense variant is not expected to disrupt DICER1 protein function with a negative predictive value of 95%. In summary, the available evidence is currently insufficient to determine the role of this variant in disease. Therefore, it has been classified as a Variant of Uncertain Significance.

Ambry Genetics
Classification: Likely benign for Hereditary cancer-predisposing syndrome. Last evaluated: 2024-05-20. Review status: criteria provided, single submitter. Criteria: Ambry Variant Classification Scheme 2023. Collection method: clinical testing. Allele origin: germline.